The following is an entry in ClinVar:

ClinVar aggregate classification (germline): Uncertain significance (1 of 4 stars; one submission).

Conditions:
Genitourinary and/or brain malformation syndrome (GUBS). Also called: PPP1R12A-Related Urogenital and/or Brain Malformation Syndrome. Identifiers: MedGen C5394158, MONDO:0032934, OMIM 618820.

Submission:

New York Genome Center
Classification: Uncertain significance for Genitourinary and/or brain malformation syndrome. Last evaluated: 2023-12-20. Review status: criteria provided, single submitter. Criteria: NYGC Assertion Criteria 2020. Collection method: clinical testing. Allele origin: de novo. Observed: 1 variant allele, 1 heterozygote.
Comment: The heterozygous de novo c.2666G>A variant identified in the PPP1R12A gene has not previously been reported in the literature or public variant repositories (ClinVar and LOVD) and is absent from population databases (gnomAD v3, gnomAD v4), suggesting it is not a common benign variant in the populations represented in those databases. The c.2666G>A variant affects the last nucleotide of exon 20 of this 25-exon gene and is predicted to substitute Arginine with Lysine at residue 889 (p.(Arg889Lys)). In silico predictions for the c.2666G>A variant do not support a deleterious effect on protein function (REVEL score =0.017). However, c.2666G>A variant is predicted to alter the normal mRNA splicing (SpliceAI delta score=0.784). Functional data is not yet available to support or refute these predictions. Based on available evidence this heterozygous, de novo c.2666G>A, p.(Arg889Lys) variant identified in PPP1R12A is classified as a Variant of Unknown Significance.

NM_002480.3(PPP1R12A):c.2666G>A (p.Arg889Lys)

Gene: PPP1R12A (protein phosphatase 1 regulatory subunit 12A; minus strand). Cytogenetic location: 12q21.2.
Variant type: single nucleotide variant.
Coding change: c.2666G>A on transcript NM_002480.3 (MANE Select); coding-DNA position 2666, G replaced by A.
Protein change: p.Arg889Lys; replaces arginine 889 with lysine.
Molecular consequence: missense variant.
Genome position (GRCh38, 1-based): chr12:79,790,467, C>T on the plus strand (G>A on the coding strand, the complement: PPP1R12A is on the minus strand). VCF-style: chr12-79790467-C-T. GRCh37 (hg19) VCF-style: chr12-80184247-C-T.
Other names: c.2666G>A, p.Arg889Lys (NM_001143885.2, NM_001244990.2); c.2405G>A, p.Arg802Lys (NM_001143886.2); c.2498G>A, p.Arg833Lys (NM_001244992.1); short protein forms R802K, R833K, R889K.
Identifiers: ClinVar variation 4888325 (VCV004888325.1).